The following is an entry in ClinVar:

NM_005228.5(EGFR):c.2587G>T (p.Gly863Cys)

Gene: EGFR (epidermal growth factor receptor; plus strand). Cytogenetic location: 7p11.2.
Variant type: single nucleotide variant.
Coding change: c.2587G>T on transcript NM_005228.5 (MANE Select); coding-DNA position 2587, G replaced by T.
Protein change: p.Gly863Cys; replaces glycine 863 with cysteine.
Molecular consequence: missense variant.
Genome position (GRCh38, 1-based): chr7:55,191,836, G>T. VCF-style: chr7-55191836-G-T. GRCh37 (hg19) VCF-style: chr7-55259529-G-T.
Other names: c.2587G>T (NM_005228.3); c.2452G>T, p.Gly818Cys (NM_001346897.2, NM_001346899.2); c.2587G>T, p.Gly863Cys (NM_001346898.2); c.2428G>T, p.Gly810Cys (NM_001346900.2); c.1786G>T, p.Gly596Cys (NM_001346941.2); short protein forms G810C, G818C, G863C, G596C.
Identifiers: ClinVar variation 1427876 (VCV001427876.9), dbSNP rs2128964656, ClinGen allele CA367580299.

ClinVar aggregate classification (germline): Uncertain significance. Review status: criteria provided, multiple submitters, no conflicts (2 of 4 stars). 2 submissions from 2 submitters: Uncertain significance (2). Last evaluated 2026-06-21.

Conditions:
Hereditary cancer-predisposing syndrome. Also called: Hereditary Cancer Syndrome; Neoplastic Syndromes, Hereditary; Hereditary neoplastic syndrome; Tumor predisposition. Identifiers: Orphanet 140162, MedGen C0027672, MeSH D009386, MONDO:0015356.
EGFR-related lung cancer (EGFR). Identifiers: MedGen CN130014.

gnomAD v4.1: 7 of 1,614,030 alleles (0.00043%); highest among the groups gnomAD compares: Non-Finnish European, 0.00051%; no homozygotes.

Submissions (2):

Ambry Genetics
Classification: Uncertain significance for Hereditary cancer-predisposing syndrome. Last evaluated: 2026-06-21. Review status: criteria provided, single submitter. Criteria: Ambry Variant Classification Scheme 2023. Collection method: clinical testing. Allele origin: germline.
Comment: The p.G863C variant (also known as c.2587G>T), located in coding exon 21 of the EGFR gene, results from a G to T substitution at nucleotide position 2587. The glycine at codon 863 is replaced by cysteine, an amino acid with highly dissimilar properties. This amino acid position is not well conserved in available vertebrate species. In addition, this alteration is predicted to be deleterious by in silico analysis. Based on the available evidence, the clinical significance of this variant remains unclear.

Labcorp Genetics (formerly Invitae), Labcorp
Classification: Uncertain significance for EGFR-related lung cancer. Last evaluated: 2024-11-29. Review status: criteria provided, single submitter. Criteria: Invitae Variant Classification Sherloc (09022015). Collection method: clinical testing. Allele origin: germline.
Comment: This sequence change replaces glycine, which is neutral and non-polar, with cysteine, which is neutral and slightly polar, at codon 863 of the EGFR protein (p.Gly863Cys). This variant is not present in population databases (gnomAD no frequency). This variant has not been reported in the literature in individuals affected with EGFR-related conditions. ClinVar contains an entry for this variant (Variation ID: 1427876). Invitae Evidence Modeling of protein sequence and biophysical properties (such as structural, functional, and spatial information, amino acid conservation, physicochemical variation, residue mobility, and thermodynamic stability) indicates that this missense variant is not expected to disrupt EGFR protein function with a negative predictive value of 80%. In summary, the available evidence is currently insufficient to determine the role of this variant in disease. Therefore, it has been classified as a Variant of Uncertain Significance.